The following is an entry in ClinVar:

ClinVar aggregate classification (germline): Pathogenic (1 of 4 stars; one submission).

Conditions:
Inborn genetic diseases. Identifiers: MedGen C0950123, MeSH D030342.

Submission:

Ambry Genetics
Classification: Pathogenic for Inborn genetic diseases. Last evaluated: 2025-08-13. Review status: criteria provided, single submitter. Criteria: Ambry Variant Classification Scheme 2023. Collection method: clinical testing. Allele origin: germline.
Comment: The c.111_112delGGinsT (p.K37Nfs*14) alteration, located in exon 2 (coding exon 1) of the SRRM2 gene, consists of a deletion of 2 and insertion of 1 nucleotides causing a translational frameshift at position 111 with a predicted alternate stop codon after 14 amino acids. This alteration is expected to result in loss of function by premature protein truncation or nonsense-mediated mRNA decay. This variant was not reported in population-based cohorts in the Genome Aggregation Database (gnomAD). Based on the available evidence, this alteration is classified as pathogenic.

NM_016333.4(SRRM2):c.111_112delinsT (p.Lys37fs)

Gene: SRRM2 (serine/arginine repetitive matrix 2; plus strand). Cytogenetic location: 16p13.3.
Variant type: Indel.
Coding change: c.111_112delinsT on transcript NM_016333.4 (MANE Select); coding-DNA positions 111 to 112, GG replaced by T.
Protein change: p.Lys37fs; shifts the reading frame from lysine 37.
Molecular consequence: frameshift variant.
Genome position (GRCh38, 1-based): chr16:2,756,475-2,756,476, GG replaced by T. VCF-style: chr16-2756475-GG-T. GRCh37 (hg19) VCF-style: chr16-2806476-GG-T.
Other names: short protein forms K37fs.
Identifiers: ClinVar variation 4175178 (VCV004175178.1).